The following is an entry in ClinVar:

NM_005765.3(ATP6AP2):c.859-11C>T

Gene: ATP6AP2 (ATPase H+ transporting accessory protein 2; plus strand). Cytogenetic location: Xp11.4.
Variant type: single nucleotide variant.
Coding change: c.859-11C>T on transcript NM_005765.3 (MANE Select); 11 bases into the intron before coding-DNA position 859, C replaced by T.
Molecular consequence: intron variant.
Genome position (GRCh38, 1-based): chrX:40,605,550, C>T. VCF-style: chrX-40605550-C-T. GRCh37 (hg19) VCF-style: chrX-40464802-C-T.
Identifiers: ClinVar variation 506793 (VCV000506793.5), dbSNP rs767283025, ClinGen allele CA10387301.

ClinVar aggregate classification (germline): Likely benign. Review status: criteria provided, multiple submitters, no conflicts (2 of 4 stars). 3 submissions from 3 submitters: Likely benign (3). Last evaluated 2026-01-14.

Conditions:
Intellectual developmental disorder, X-linked, syndromic, Hedera type. Also called: Syndromic X-linked intellectual disability Hedera type. Identifiers: Orphanet 93952, MedGen C1845543, MONDO:0010319, OMIM 300423.

Allele frequency attached by ClinVar (database versions not stated): gnomAD exomes 0.00001 and 0.00005; TOPMed 0.00003; gnomAD 0.00004; ExAC 0.00002.
gnomAD v4.1: 59 of 1,181,549 alleles (0.005%); highest among the groups gnomAD compares: Middle Eastern, 0.023%; no homozygotes.

Submissions (3):

Labcorp Genetics (formerly Invitae), Labcorp
Classification: Likely benign for Intellectual developmental disorder, X-linked, syndromic, Hedera type. Last evaluated: 2026-01-14. Review status: criteria provided, single submitter. Criteria: Invitae Variant Classification Sherloc (09022015). Collection method: clinical testing. Allele origin: germline.

Blueprint Genetics
Classification: Likely benign. Last evaluated: 2024-11-04. Review status: criteria provided, single submitter. Criteria: ACMG Guidelines, 2015. Collection method: clinical testing. Allele origin: germline.

GeneDx
Classification: Likely benign. Last evaluated: 2017-05-15. Review status: criteria provided, single submitter. Criteria: GeneDx Variant Classification (06012015). Collection method: clinical testing. Allele origin: germline. Affected: yes.
Comment: This variant is considered likely benign or benign based on one or more of the following criteria: it is a conservative change, it occurs at a poorly conserved position in the protein, it is predicted to be benign by multiple in silico algorithms, and/or has population frequency not consistent with disease.